The following is an entry in ClinVar:

NM_001134407.3(GRIN2A):c.946G>T (p.Ala316Ser)

Gene: GRIN2A (glutamate ionotropic receptor NMDA type subunit 2A; minus strand). Cytogenetic location: 16p13.2.
Variant type: single nucleotide variant.
Coding change: c.946G>T on transcript NM_001134407.3 (MANE Select); coding-DNA position 946, G replaced by T.
Protein change: p.Ala316Ser; replaces alanine 316 with serine.
Molecular consequence: missense variant.
Genome position (GRCh38, 1-based): chr16:9,938,020, C>A on the plus strand (G>T on the coding strand, the complement: GRIN2A is on the minus strand). VCF-style: chr16-9938020-C-A. GRCh37 (hg19) VCF-style: chr16-10031877-C-A.
Other names: c.946G>T, p.Ala316Ser (NM_000833.5, NM_001134408.2); short protein forms A316S.
Identifiers: ClinVar variation 3718767 (VCV003718767.2).

ClinVar aggregate classification (germline): Uncertain significance (1 of 4 stars; one submission).

Conditions:
Landau-Kleffner syndrome (FESD). Also called: EPILEPSY, FOCAL, WITH SPEECH DISORDER AND WITH OR WITHOUT MENTAL RETARDATION; APHASIA, ACQUIRED, WITH EPILEPSY. Identifiers: Orphanet 1945, Orphanet 725, Orphanet 98818, MedGen C0282512, MONDO:0009509, OMIM 245570.

Submission:

Labcorp Genetics (formerly Invitae), Labcorp
Classification: Uncertain significance for Landau-Kleffner syndrome. Last evaluated: 2024-12-12. Review status: criteria provided, single submitter. Criteria: Invitae Variant Classification Sherloc (09022015). Collection method: clinical testing. Allele origin: germline.
Comment: This sequence change replaces alanine, which is neutral and non-polar, with serine, which is neutral and polar, at codon 316 of the GRIN2A protein (p.Ala316Ser). This variant is not present in population databases (gnomAD no frequency). This variant has not been reported in the literature in individuals affected with GRIN2A-related conditions. Invitae Evidence Modeling of protein sequence and biophysical properties (such as structural, functional, and spatial information, amino acid conservation, physicochemical variation, residue mobility, and thermodynamic stability) indicates that this missense variant is not expected to disrupt GRIN2A protein function with a negative predictive value of 95%. In summary, the available evidence is currently insufficient to determine the role of this variant in disease. Therefore, it has been classified as a Variant of Uncertain Significance.